The following is an entry in ClinVar:

NM_007126.5(VCP):c.1092C>T (p.Asp364=)

Gene: VCP (valosin containing protein; minus strand). Cytogenetic location: 9p13.3.
Variant type: single nucleotide variant.
Coding change: c.1092C>T on transcript NM_007126.5 (MANE Select); coding-DNA position 1092, C replaced by T.
Protein change: p.Asp364=; no amino-acid change (aspartic acid 364 retained).
Molecular consequence: synonymous variant.
Genome position (GRCh38, 1-based): chr9:35,061,679, G>A on the plus strand (C>T on the coding strand, the complement: VCP is on the minus strand). VCF-style: chr9-35061679-G-A. GRCh37 (hg19) VCF-style: chr9-35061676-G-A.
Other names: p.Asp364=; c.957C>T, p.Asp319= (NM_001354927.2, NM_001354928.2).
Identifiers: ClinVar variation 366718 (VCV000366718.26), dbSNP rs61752947, ClinGen allele CA5039308.

ClinVar aggregate classification (germline): Benign/Likely benign. Review status: criteria provided, multiple submitters, no conflicts (2 of 4 stars). 12 submissions from 11 submitters: Benign (5); Likely benign (3). 4 of the submissions do not count toward it. Last evaluated 2026-02-02.

Conditions:
Frontotemporal dementia and/or amyotrophic lateral sclerosis 6 (FTDALS6). Also called: VCP-Related Amyotrophic Lateral Sclerosis; VCP-Related Amyotrophic Lateral Sclerosis/Frontotemporal Dementia. Identifiers: Orphanet 275872, Orphanet 803, MedGen C5436279, MONDO:0013501, OMIM 613954.
Inclusion body myopathy with Paget disease of bone and frontotemporal dementia. Also called: Inclusion body myopathy with early-onset Paget disease and frontotemporal dementia. Identifiers: Orphanet 52430, MedGen C1833662, MONDO:0000507.
VCP-related disorder. Also called: VCP-related condition; VCP-related disorders.
Inborn genetic diseases. Identifiers: MedGen C0950123, MeSH D030342.
Inclusion body myopathy with Paget disease of bone and frontotemporal dementia type 1. Also called: MULTISYSTEM PROTEINOPATHY 1; Inclusion body myopathy with early-onset Paget disease and frontotemporal dementia 1; Inclusion body myopathy with early-onset Paget disease with or without frontotemporal dementia 1. Identifiers: MedGen C4551951, MONDO:0008178, OMIM 167320.

Allele frequency attached by ClinVar (database versions not stated): ESP Exome Variant Server 0.00607; gnomAD 0.00619 and 0.00567; gnomAD exomes 0.00052 and 0.00151; ExAC 0.00192; 1000 Genomes Project 0.00419; 1000 Genomes Project 30x 0.00422; TOPMed 0.00564.
gnomAD v4.1: 1,557 of 1,556,602 alleles (0.1%); highest among the groups gnomAD compares: African/African-American, 1.9%; 25 homozygotes.

Submissions (12):

Labcorp Genetics (formerly Invitae), Labcorp
Classification: Benign for Inclusion body myopathy with Paget disease of bone and frontotemporal dementia; Frontotemporal dementia and/or amyotrophic lateral sclerosis 6. Last evaluated: 2026-02-02. Review status: criteria provided, single submitter. Criteria: Invitae Variant Classification Sherloc (09022015). Collection method: clinical testing. Allele origin: germline.

Athena Diagnostics
Classification: Benign. Last evaluated: 2025-08-18. Review status: criteria provided, single submitter. Criteria: Athena Diagnostics Criteria. Collection method: clinical testing. Allele origin: unknown.
Comment: The frequency of this variant in the general population is higher than would generally be expected for pathogenic variants in this gene. Computational tools yielded predictions that this variant is unlikely to have an effect on normal RNA splicing.

GeneDx
Classification: Likely benign. Last evaluated: 2021-06-19. Review status: criteria provided, single submitter. Criteria: GeneDx Variant Classification Process June 2021. Collection method: clinical testing. Allele origin: germline. Affected: yes.

Ambry Genetics
Classification: Likely benign for Inborn genetic diseases. Last evaluated: 2019-07-11. Review status: criteria provided, single submitter. Criteria: Ambry Variant Classification Scheme 2023. Collection method: clinical testing. Allele origin: germline.

Mayo Clinic Laboratories, Mayo Clinic
Classification: Benign. Last evaluated: 2019-06-24. Review status: criteria provided, single submitter. Criteria: ACMG Guidelines, 2015. Collection method: clinical testing. Allele origin: germline. Observed: 5 variant alleles.

Illumina Laboratory Services, Illumina
Classification: Benign for Inclusion body myopathy with Paget disease of bone and frontotemporal dementia type 1. Last evaluated: 2018-01-13. Review status: criteria provided, single submitter. Criteria: ICSL Variant Classification Criteria 13 December 2019. Collection method: clinical testing. Allele origin: germline.
Comment: This variant was observed in the ICSL laboratory as part of a predisposition screen in an ostensibly healthy population. It had not been previously curated by ICSL or reported in the Human Gene Mutation Database (HGMD: prior to June 1st, 2018), and was therefore a candidate for classification through an automated scoring system. Utilizing variant allele frequency, disease prevalence and penetrance estimates, and inheritance mode, an automated score was calculated to assess if this variant is too frequent to cause the disease. Based on the score and internal cut-off values, a variant classified as benign is not then subjected to further curation. The score for this variant resulted in a classification of benign for this disease.

Illumina Laboratory Services, Illumina
Classification: Benign for Frontotemporal dementia and/or amyotrophic lateral sclerosis 6. Last evaluated: 2018-01-13. Review status: criteria provided, single submitter. Criteria: ICSL Variant Classification Criteria 13 December 2019. Collection method: clinical testing. Allele origin: germline.
Comment: the same text as in the submission from Illumina Laboratory Services, Illumina above.

Breakthrough Genomics
Classification: Likely benign. Review status: criteria provided, single submitter. Criteria: ACMG Guidelines, 2015. Collection method: not provided. Allele origin: germline. Inheritance: Autosomal dominant inheritance. Affected: yes.

PreventionGenetics, part of Exact Sciences
Classification: Benign for VCP-related condition. Last evaluated: 2019-04-01. Review status: no assertion criteria provided. Collection method: clinical testing. Allele origin: germline. Not counted in ClinVar's aggregate classification.
Comment: This variant is classified as benign based on ACMG/AMP sequence variant interpretation guidelines (Richards et al. 2015 PMID: 25741868, with internal and published modifications).

Clinical Genetics DNA and cytogenetics Diagnostics Lab, Erasmus MC, Erasmus Medical Center
Classification: Benign. Review status: no assertion criteria provided. Collection method: clinical testing. Allele origin: germline. Affected: yes. Study: VKGL Data-share Consensus. Not counted in ClinVar's aggregate classification.

Clinical Genetics, Academic Medical Center
Classification: Benign. Review status: no assertion criteria provided. Collection method: clinical testing. Allele origin: germline. Affected: yes. Study: VKGL Data-share Consensus. Not counted in ClinVar's aggregate classification.

Genome Diagnostics Laboratory, Amsterdam University Medical Center
Classification: Likely benign. Review status: no assertion criteria provided. Collection method: clinical testing. Allele origin: germline. Affected: yes. Study: VKGL Data-share Consensus. Not counted in ClinVar's aggregate classification.